The following is an entry in ClinVar:

ClinVar aggregate classification (germline): Pathogenic (1 of 4 stars; one submission).

Conditions:
Alstrom syndrome (ALMS). Identifiers: Orphanet 64, MedGen C0268425, MONDO:0008763, OMIM 203800.

Submission:

Laboratorio de Genetica e Diagnostico Molecular, Hospital Israelita Albert Einstein
Classification: Pathogenic for Alstrom syndrome. Last evaluated: 2023-07-26. Review status: criteria provided, single submitter. Criteria: ACMG Guidelines, 2015. Collection method: clinical testing. Allele origin: germline. Affected: yes.
Comment: ACMG classification criteria: PVS1 very strong, PM2 moderate, PM3 moderate

NM_001378454.1(ALMS1):c.8394dup (p.Pro2799fs)

Gene: ALMS1 (ALMS1 centrosome and basal body associated protein; plus strand). Cytogenetic location: 2p13.1.
Variant type: Duplication.
Coding change: c.8394dup on transcript NM_001378454.1 (MANE Select); coding-DNA position 8394, one base duplicated (A; older notation c.8394dupA).
Protein change: p.Pro2799fs; shifts the reading frame from proline 2799.
Molecular consequence: frameshift variant.
Genome position (GRCh38, 1-based): chr2:73,490,353, A duplicated. VCF-style (leftmost placement, unchanged base first): chr2-73490352-T-TA. GRCh37 (hg19) VCF-style: chr2-73717479-T-TA.
Other names: c.8397dup, p.Pro2800fs (NM_015120.4); short protein forms P2799fs, P2800fs.
Identifiers: ClinVar variation 4846782 (VCV004846782.1).